The following is an entry in ClinVar:

NM_173660.5(DOK7):c.1262C>T (p.Pro421Leu)

Gene: DOK7 (docking protein 7; plus strand). Cytogenetic location: 4p16.3.
Variant type: single nucleotide variant.
Coding change: c.1262C>T on transcript NM_173660.5 (MANE Select); coding-DNA position 1262, C replaced by T.
Protein change: p.Pro421Leu; replaces proline 421 with leucine.
Molecular consequence: missense variant. On other transcripts: 3 prime UTR variant (1).
Genome position (GRCh38, 1-based): chr4:3,493,248, C>T. VCF-style: chr4-3493248-C-T. GRCh37 (hg19) VCF-style: chr4-3494975-C-T.
Other names: c.*483C>T (NM_001164673.2); c.332C>T, p.Pro111Leu (NM_001256896.2); c.1262C>T, p.Pro421Leu (NM_001301071.2); c.830C>T, p.Pro277Leu (NM_001363811.2); short protein forms P421L, P111L, P277L.
Identifiers: ClinVar variation 2181064 (VCV002181064.4), dbSNP rs373261147, ClinGen allele CA356117653.

ClinVar aggregate classification (germline): Uncertain significance (1 of 4 stars; one submission).

Conditions:
Congenital myasthenic syndrome 10. Also called: Myasthenia, limb-girdle, familial. Identifiers: Orphanet 590, MedGen C1850792, MONDO:0009690, OMIM 254300.
Fetal akinesia deformation sequence 1 (FADS1). Also called: Pena-Shokeir syndrome type I; Fetal akinesia sequence. Identifiers: Orphanet 994, MedGen C1276035, MONDO:0100101, OMIM 208150, HP:0001989.

Submission:

Labcorp Genetics (formerly Invitae), Labcorp
Classification: Uncertain significance for Congenital myasthenic syndrome 10; Fetal akinesia deformation sequence 1. Last evaluated: 2022-05-03. Review status: criteria provided, single submitter. Criteria: Invitae Variant Classification Sherloc (09022015). Collection method: clinical testing. Allele origin: germline.
Comment: In summary, the available evidence is currently insufficient to determine the role of this variant in disease. Therefore, it has been classified as a Variant of Uncertain Significance. Algorithms developed to predict the effect of missense changes on protein structure and function (SIFT, PolyPhen-2, Align-GVGD) all suggest that this variant is likely to be tolerated. This variant has not been reported in the literature in individuals affected with DOK7-related conditions. This variant is not present in population databases (gnomAD no frequency). This sequence change replaces proline, which is neutral and non-polar, with leucine, which is neutral and non-polar, at codon 421 of the DOK7 protein (p.Pro421Leu).